The following is an entry in ClinVar:

NM_005876.5(SPEG):c.2874G>A (p.Glu958=)

Gene: SPEG (striated muscle enriched protein kinase; plus strand). Cytogenetic location: 2q35.
Variant type: single nucleotide variant.
Coding change: c.2874G>A on transcript NM_005876.5 (MANE Select); coding-DNA position 2874, G replaced by A.
Protein change: p.Glu958=; no amino-acid change (glutamic acid 958 retained).
Molecular consequence: synonymous variant.
Genome position (GRCh38, 1-based): chr2:219,464,601, G>A. VCF-style: chr2-219464601-G-A. GRCh37 (hg19) VCF-style: chr2-220329323-G-A.
Other names: c.327G>A, p.Glu109= (NM_001173476.2).
Identifiers: ClinVar variation 3350331 (VCV003350331.3).
Genomic context (GRCh38, chr2:219,464,601, plus strand): 5'-TTTCTACACTTGCAAAGCGGTCAATGAGTATGGTGCTCGGCAGTGCGAGGCCCGCTTGGA[G>A]GTCCGAGGTGAGTACCTGATTTCTCCATGAATGCCCACCTGGCCCTGGCCCCTTCCTTCC-3'
Protein context (NP_005867.3, residues 948-968): YGARQCEARL[Glu958=]VRAHPESRSL

ClinVar aggregate classification (germline): Likely benign. Review status: criteria provided, single submitter (1 of 4 stars). 2 submissions from 2 submitters: Likely benign (1). 1 of the submissions does not count toward it. Last evaluated 2025-11-25.

Conditions:
SPEG-related disorder. Also called: SPEG-related condition.

gnomAD v4.1: 4 of 1,613,880 alleles (0.00025%); highest among the groups gnomAD compares: African/African-American, 0.0013%; no homozygotes.

Submissions (2):

Labcorp Genetics (formerly Invitae), Labcorp
Classification: Likely benign. Last evaluated: 2025-11-25. Review status: criteria provided, single submitter. Criteria: Invitae Variant Classification Sherloc (09022015). Collection method: clinical testing. Allele origin: germline.

PreventionGenetics, part of Exact Sciences
Classification: Likely benign for SPEG-related condition. Last evaluated: 2024-06-10. Review status: no assertion criteria provided. Collection method: clinical testing. Allele origin: germline. Not counted in ClinVar's aggregate classification.
Comment: This variant is classified as likely benign based on ACMG/AMP sequence variant interpretation guidelines (Richards et al. 2015 PMID: 25741868, with internal and published modifications).